The following is an entry in ClinVar:

ClinVar aggregate classification (germline): Likely pathogenic (1 of 4 stars; one submission).

Conditions:
Niemann-Pick disease, type C1. Also called: NIEMANN-PICK DISEASE, VARIANT TYPE C1; NEUROVISCERAL STORAGE DISEASE WITH VERTICAL SUPRANUCLEAR OPHTHALMOPLEGIA; NIEMANN-PICK DISEASE WITH CHOLESTEROL ESTERIFICATION BLOCK; NIEMANN-PICK DISEASE WITHOUT SPHINGOMYELINASE DEFICIENCY; NIEMANN-PICK DISEASE, CHRONIC NEURONOPATHIC FORM. Identifiers: Orphanet 646, MedGen C3179455, MONDO:0009757, OMIM 257220.

Submission:

Natera, Inc.
Classification: Likely pathogenic for Niemann-Pick disease type C1. Last evaluated: 2025-09-11. Review status: criteria provided, single submitter. Criteria: Natera Variant Classification Schema (03/2026). Collection method: clinical testing. Allele origin: germline.
Comment: The c.1929_1930insC variant in NPC1 is a frameshift variant predicted to shift the reading frame beginning at codon 644 and leads to a stop codon 45 codons downstream. This variant is expected to result in nonsense mediated decay, truncation, or a dysfunctional protein product. This variant is rare in the general population with a frequency below the threshold expected for the associated phenotype(s). Given the available evidence, this variant is classified as Likely Pathogenic.

NM_000271.5(NPC1):c.1929_1930insC (p.Ser644fs)

Gene: NPC1 (NPC intracellular cholesterol transporter 1; minus strand). Cytogenetic location: 18q11.2.
Variant type: Insertion.
Coding change: c.1929_1930insC on transcript NM_000271.5 (MANE Select); coding-DNA positions 1929 to 1930, C inserted.
Protein change: p.Ser644fs; shifts the reading frame from serine 644.
Molecular consequence: frameshift variant.
Genome position: GRCh38 VCF-style: chr18-23544977-T-TG. GRCh37 (hg19) VCF-style: chr18-21124941-T-TG.
Other names: short protein forms S644fs.
Identifiers: ClinVar variation 4818052 (VCV004818052.1).
Genomic context (GRCh38, chr18:23,544,977, plus strand): 5'-TGCTGTTAACCTCTAGAACATACACCACCCCCCCCCGGCTTACCAGAAGCCTGCGACAGC[T>TG]TTTCATGTGCCCCAAGGCTAGGGAAATATATAGAAACATGATGGCATAGCTAATTACAAC-3'